The following is an entry in ClinVar:

ClinVar aggregate classification (germline): Uncertain significance. Review status: criteria provided, multiple submitters, no conflicts (2 of 4 stars). 6 submissions from 5 submitters: Uncertain significance (6). Last evaluated 2024-11-25.

Conditions:
Inborn genetic diseases. Identifiers: MedGen C0950123, MeSH D030342.
Ectopia lentis 2, isolated, autosomal recessive (ECTOL2). Identifiers: Orphanet 1885, MedGen C3541474, MONDO:0009152, OMIM 225100.
Ectopia lentis et pupillae. Also called: ECTOPIA LENTIS WITH ECTOPIA OF PUPIL. Identifiers: Orphanet 1885, MedGen C1644196, MONDO:0009153, OMIM 225200.

Allele frequency attached by ClinVar (database versions not stated): gnomAD exomes 0.00004 and 0.00006; TOPMed 0.00004; gnomAD 0.00005 and 0.00006; ExAC 0.00004.
gnomAD v4.1: 93 of 1,599,600 alleles (0.0058%); highest among the groups gnomAD compares: Non-Finnish European, 0.0077%; no homozygotes.

Submissions (6):

Ambry Genetics
Classification: Uncertain significance for Inborn genetic diseases. Last evaluated: 2024-11-25. Review status: criteria provided, single submitter. Criteria: Ambry Variant Classification Scheme 2023. Collection method: clinical testing. Allele origin: germline.

Genome-Nilou Lab
Classification: Uncertain significance for Ectopia lentis et pupillae. Last evaluated: 2023-04-11. Review status: criteria provided, single submitter. Criteria: ACMG Guidelines, 2015. Collection method: clinical testing. Allele origin: germline. Affected: no.

Genome-Nilou Lab
Classification: Uncertain significance for Ectopia lentis 2, isolated, autosomal recessive. Last evaluated: 2023-04-11. Review status: criteria provided, single submitter. Criteria: ACMG Guidelines, 2015. Collection method: clinical testing. Allele origin: germline. Affected: no.

Labcorp Genetics (formerly Invitae), Labcorp
Classification: Uncertain significance. Last evaluated: 2022-07-31. Review status: criteria provided, single submitter. Criteria: Invitae Variant Classification Sherloc (09022015). Collection method: clinical testing. Allele origin: germline.
Comment: This sequence change replaces alanine, which is neutral and non-polar, with aspartic acid, which is acidic and polar, at codon 373 of the ADAMTSL4 protein (p.Ala373Asp). This variant is present in population databases (rs749157895, gnomAD 0.007%). This variant has not been reported in the literature in individuals affected with ADAMTSL4-related conditions. ClinVar contains an entry for this variant (Variation ID: 292528). Algorithms developed to predict the effect of missense changes on protein structure and function (SIFT, PolyPhen-2, Align-GVGD) all suggest that this variant is likely to be disruptive. In summary, the available evidence is currently insufficient to determine the role of this variant in disease. Therefore, it has been classified as a Variant of Uncertain Significance.

Revvity Omics, Revvity
Classification: Uncertain significance. Last evaluated: 2021-08-18. Review status: criteria provided, single submitter. Criteria: ACMG Guidelines, 2015. Collection method: clinical testing. Allele origin: germline.

Illumina Laboratory Services, Illumina
Classification: Uncertain significance for Ectopia lentis 2, isolated, autosomal recessive. Last evaluated: 2018-01-13. Review status: criteria provided, single submitter. Criteria: ICSL Variant Classification Criteria 13 December 2019. Collection method: clinical testing. Allele origin: germline.

NM_019032.6(ADAMTSL4):c.1118C>A (p.Ala373Asp)

Genes: ADAMTSL4 (ADAMTS like 4; plus strand), ADAMTSL4-AS2 (ADAMTSL4 antisense RNA 2; minus strand). Cytogenetic location: 1q21.2.
Variant type: single nucleotide variant.
Coding change: c.1118C>A on transcript NM_019032.6 (MANE Select); coding-DNA position 1118, C replaced by A.
Protein change: p.Ala373Asp; replaces alanine 373 with aspartic acid.
Molecular consequence: missense variant.
Genome position (GRCh38, 1-based): chr1:150,554,109, C>A. VCF-style: chr1-150554109-C-A. GRCh37 (hg19) VCF-style: chr1-150526585-C-A.
Other names: c.1118C>A (NM_019032.5); c.1118C>A, p.Ala373Asp (NM_001288607.2, NM_001288608.2, NM_001378596.1 and 1 more transcripts); short protein forms A373D.
Identifiers: ClinVar variation 292528 (VCV000292528.11), dbSNP rs749157895, ClinGen allele CA1078121.